The following is an entry in ClinVar:

NM_177438.3(DICER1):c.5556C>A (p.Ser1852=)

Gene: DICER1 (dicer 1, ribonuclease III; minus strand). Cytogenetic location: 14q32.13.
Variant type: single nucleotide variant.
Coding change: c.5556C>A on transcript NM_177438.3 (MANE Select); coding-DNA position 5556, C replaced by A.
Protein change: p.Ser1852=; no amino-acid change (serine 1852 retained).
Molecular consequence: synonymous variant. On other transcripts: missense variant (1).
Genome position (GRCh38, 1-based): chr14:95,091,081, G>T on the plus strand (C>A on the coding strand, the complement: DICER1 is on the minus strand). VCF-style: chr14-95091081-G-T. GRCh37 (hg19) VCF-style: chr14-95557418-G-T.
Other names: c.5393C>A, p.Pro1798His (NM_001195573.1); c.5556C>A, p.Ser1852= (NM_001271282.3, NM_001291628.2, NM_030621.4); short protein forms P1798H.
Identifiers: ClinVar variation 417083 (VCV000417083.18), dbSNP rs745795376, ClinGen allele CA16614156.

ClinVar aggregate classification (germline): Benign/Likely benign. Review status: criteria provided, multiple submitters, no conflicts (2 of 4 stars). 3 submissions from 3 submitters: Benign (1); Likely benign (2). Last evaluated 2026-04-21.

Conditions:
DICER1-related tumor predisposition. Also called: DICER1-related pleuropulmonary blastoma cancer predisposition syndrome; DICER1 syndrome. Identifiers: Orphanet 284343, MedGen C3839822, MONDO:0100216.
Hereditary cancer-predisposing syndrome. Also called: Hereditary Cancer Syndrome; Neoplastic Syndromes, Hereditary; Hereditary neoplastic syndrome; Tumor predisposition. Identifiers: Orphanet 140162, MedGen C0027672, MeSH D009386, MONDO:0015356.

Allele frequency attached by ClinVar (database versions not stated): TOPMed 0.00001; gnomAD exomes below 0.00001.
gnomAD v4.1: 4 of 1,613,800 alleles (0.00025%); highest among the groups gnomAD compares: African/African-American, 0.004%; no homozygotes.

Submissions (3):

Myriad Genetics, Inc.
Classification: Benign for DICER1-related tumor predisposition. Last evaluated: 2026-04-21. Review status: criteria provided, single submitter. Criteria: Myriad Autosomal Dominant, Autosomal Recessive and X-Linked Classification Criteria (2023). Collection method: clinical testing. Allele origin: unknown.
Comment: This variant is considered benign. This variant is a silent/synonymous amino acid change and it is not expected to impact splicing.

Labcorp Genetics (formerly Invitae), Labcorp
Classification: Likely benign for DICER1-related tumor predisposition. Last evaluated: 2025-09-18. Review status: criteria provided, single submitter. Criteria: Invitae Variant Classification Sherloc (09022015). Collection method: clinical testing. Allele origin: germline.

Ambry Genetics
Classification: Likely benign for Hereditary cancer-predisposing syndrome. Last evaluated: 2017-05-15. Review status: criteria provided, single submitter. Criteria: Ambry Variant Classification Scheme 2023. Collection method: clinical testing. Allele origin: germline.